The following is an entry in ClinVar:

NM_001031689.3(PLAA):c.1934A>G (p.Asn645Ser)

Gene: PLAA (phospholipase A2 activating protein; minus strand). Cytogenetic location: 9p21.2.
Variant type: single nucleotide variant.
Coding change: c.1934A>G on transcript NM_001031689.3 (MANE Select); coding-DNA position 1934, A replaced by G.
Protein change: p.Asn645Ser; replaces asparagine 645 with serine.
Molecular consequence: missense variant.
Genome position (GRCh38, 1-based): chr9:26,905,965, T>C on the plus strand (A>G on the coding strand, the complement: PLAA is on the minus strand). VCF-style: chr9-26905965-T-C. GRCh37 (hg19) VCF-style: chr9-26905963-T-C.
Other names: c.1865A>G, p.Asn622Ser (NM_001321546.2); short protein forms N622S, N645S.
Identifiers: ClinVar variation 2134132 (VCV002134132.4), dbSNP rs1385484105, ClinGen allele CA373127022.

ClinVar aggregate classification (germline): Uncertain significance (1 of 4 stars; one submission).

Allele frequency attached by ClinVar (database versions not stated): gnomAD exomes below 0.00001; gnomAD 0.00001; TOPMed 0.00001.
gnomAD v4.1: 7 of 1,614,056 alleles (0.00043%); highest among the groups gnomAD compares: Middle Eastern, 0.016%; no homozygotes.

Submission:

Labcorp Genetics (formerly Invitae), Labcorp
Classification: Uncertain significance. Last evaluated: 2022-06-14. Review status: criteria provided, single submitter. Criteria: Invitae Variant Classification Sherloc (09022015). Collection method: clinical testing. Allele origin: germline.
Comment: This sequence change replaces asparagine, which is neutral and polar, with serine, which is neutral and polar, at codon 645 of the PLAA protein (p.Asn645Ser). In summary, the available evidence is currently insufficient to determine the role of this variant in disease. Therefore, it has been classified as a Variant of Uncertain Significance. Algorithms developed to predict the effect of missense changes on protein structure and function output the following: SIFT: "Tolerated"; PolyPhen-2: "Benign"; Align-GVGD: "Class C0". The serine amino acid residue is found in multiple mammalian species, which suggests that this missense change does not adversely affect protein function. This variant has not been reported in the literature in individuals affected with PLAA-related conditions. This variant is not present in population databases (gnomAD no frequency).